The following is an entry in ClinVar:

NM_001083962.2(TCF4):c.369+6_369+7del

Gene: TCF4 (transcription factor 4; minus strand). Cytogenetic location: 18q21.2.
Variant type: Deletion.
Coding change: c.369+6_369+7del on transcript NM_001083962.2 (MANE Select); bases 6 to 7 of the intron after coding-DNA position 369, 2 bases deleted (TG; older notation c.369+6_369+7delTG).
Molecular consequence: intron variant.
Genome position (GRCh38, 1-based): chr18:55,403,447-55,403,448, CA deleted on the plus strand (TG on the coding strand, the reverse complement: TCF4 is on the minus strand); deleting any 2 consecutive bases within chr18:55,403,447-55,403,449 gives the same sequence; the c. name uses the placement nearest the transcript's 3' end. VCF-style (leftmost placement, unchanged base first): chr18-55403446-TCA-T. GRCh37 (hg19) VCF-style: chr18-53070677-TCA-T.
Other names: c.675+6_675+7del (NM_001243226.3); c.297+6_297+7del (NM_001369584.1, NM_001369576.1, NM_001369577.1 and 15 more transcripts); c.369+6_369+7del (NM_001369571.1, NM_001369567.1, NM_001243228.2 and 8 more transcripts); c.363+6_363+7del (NM_001243230.2); c.243+6_243+7del (NM_001243231.2, NM_001348211.2); c.-19+6_-19+7del (NM_001348212.2); c.-22+6_-22+7del (NM_001348213.2, NM_001243233.2); c.159+6_159+7del (NM_001306208.1, NM_001243232.1).
Identifiers: ClinVar variation 845698 (VCV000845698.12), dbSNP rs773484932, ClinGen allele CA8970540.

ClinVar aggregate classification (germline): Uncertain significance. Review status: criteria provided, multiple submitters, no conflicts (2 of 4 stars). 2 submissions from 2 submitters: Uncertain significance (2). Last evaluated 2023-09-17.

Conditions:
Pitt-Hopkins syndrome (PTHS). Also called: MENTAL RETARDATION, SYNDROMAL, WITH INTERMITTENT HYPERVENTILATION; ENCEPHALOPATHY, SEVERE EPILEPTIC, WITH AUTONOMIC DYSFUNCTION. Identifiers: Orphanet 2896, MedGen C1970431, MONDO:0012589, OMIM 610954.

Submissions (2):

Labcorp Genetics (formerly Invitae), Labcorp
Classification: Uncertain significance for Pitt-Hopkins syndrome. Last evaluated: 2023-09-17. Review status: criteria provided, single submitter. Criteria: Invitae Variant Classification Sherloc (09022015). Collection method: clinical testing. Allele origin: germline.
Comment: In summary, the available evidence is currently insufficient to determine the role of this variant in disease. Therefore, it has been classified as a Variant of Uncertain Significance. Variants that disrupt the consensus splice site are a relatively common cause of aberrant splicing (PMID: 17576681, 9536098). Algorithms developed to predict the effect of sequence changes on RNA splicing suggest that this variant is not likely to affect RNA splicing. ClinVar contains an entry for this variant (Variation ID: 845698). This variant has not been reported in the literature in individuals affected with TCF4-related conditions. This variant is present in population databases (rs773484932, gnomAD 0.006%). This sequence change falls in intron 6 of the TCF4 gene. It does not directly change the encoded amino acid sequence of the TCF4 protein. It affects a nucleotide within the consensus splice site.

Centre for Mendelian Genomics, University Medical Centre Ljubljana
Classification: Uncertain significance for Pitt-Hopkins syndrome. Last evaluated: 2019-08-23. Review status: criteria provided, single submitter. Criteria: ACMG Guidelines, 2015. Collection method: clinical testing. Allele origin: unknown. Affected: yes.
Comment: This variant was classified as: Uncertain significance. The available evidence on this variant's pathogenicity is insufficient or conflicting. The following ACMG criteria were applied in classifying this variant: BP4.

Literature cited by the submitters: PubMed 17576681 (cited by Labcorp Genetics (formerly Invitae), Labcorp); PubMed 9536098 (cited by Labcorp Genetics (formerly Invitae), Labcorp).